The following is an entry in ClinVar:

ClinVar aggregate classification (germline): Conflicting classifications of pathogenicity. Review status: criteria provided, conflicting classifications (1 of 4 stars). 5 submissions from 5 submitters: Uncertain significance (2); Likely benign (2). 1 of the submissions does not count toward it. Last evaluated 2025-10-14.

Conditions:
Hereditary cancer-predisposing syndrome. Also called: Neoplastic Syndromes, Hereditary; Tumor predisposition; Hereditary Cancer Syndrome; Hereditary neoplastic syndrome. Identifiers: Orphanet 140162, MedGen C0027672, MeSH D009386, MONDO:0015356.
Gorlin syndrome. Also called: Nevoid Basal Cell Carcinoma Syndrome; Basal cell nevus syndrome. Identifiers: Orphanet 377, MedGen C0004779, MONDO:0007187.
PTCH1-related disorder. Also called: PTCH1-related disorders; PTCH1-related condition.

Submissions (5):

Labcorp Genetics (formerly Invitae), Labcorp
Classification: Likely benign for Gorlin syndrome. Last evaluated: 2025-10-14. Review status: criteria provided, single submitter. Criteria: Invitae Variant Classification Sherloc (09022015). Collection method: clinical testing. Allele origin: germline.

GeneDx
Classification: Uncertain significance. Last evaluated: 2023-12-05. Review status: criteria provided, single submitter. Criteria: GeneDx Variant Classification Process June 2021. Collection method: clinical testing. Allele origin: germline. Affected: yes.
Comment: Not observed at significant frequency in large population cohorts (gnomAD); In silico analysis supports that this variant does not alter splicing; Observed in a patient with multiple keratocystic odontogenic tumors and palmar/plantar pits, and tumor RNA demonstrated aberrant splicing (PMID: 18502968); This variant is associated with the following publications: (PMID: 18502968, 38041139)

Mendelics
Classification: Uncertain significance. Last evaluated: 2022-05-04. Review status: criteria provided, single submitter. Criteria: Mendelics Assertion Criteria 2019. Collection method: clinical testing. Allele origin: germline.

Ambry Genetics
Classification: Likely benign for Hereditary cancer-predisposing syndrome. Last evaluated: 2020-01-17. Review status: criteria provided, single submitter. Criteria: Ambry Variant Classification Scheme 2023. Collection method: clinical testing. Allele origin: germline.

PreventionGenetics, part of Exact Sciences
Classification: Uncertain significance for PTCH1-related condition. Last evaluated: 2024-08-28. Review status: no assertion criteria provided. Collection method: clinical testing. Allele origin: germline. Not counted in ClinVar's aggregate classification.
Comment: The PTCH1 c.1347+6G>A variant is predicted to interfere with splicing. This variant was reported in an individual with features of nevoid basal cell carcinoma syndrome, and RNA studies from patient cells indicated an aberrant, but in-frame, splicing defect (Sun et al 2008. PubMed ID: 18502968). This variant is reported in 0.0054% of alleles in individuals of East Asian descent in gnomAD, and it is associated with conflicting interpretations of likely benign or uncertain significance in ClinVar. Although we suspect that this variant may be pathogenic, at this time, the clinical significance of this variant is uncertain due to the absence of conclusive functional and genetic evidence.

NM_000264.5(PTCH1):c.1347+6G>A

Gene: PTCH1 (patched 1; minus strand). Cytogenetic location: 9q22.32.
Variant type: single nucleotide variant.
Coding change: c.1347+6G>A on transcript NM_000264.5 (MANE Select); 6 bases into the intron after coding-DNA position 1347, G replaced by A.
Molecular consequence: intron variant.
Genome position (GRCh38, 1-based): chr9:95,478,049, C>T on the plus strand (G>A on the coding strand, the complement: PTCH1 is on the minus strand). VCF-style: chr9-95478049-C-T. GRCh37 (hg19) VCF-style: chr9-98240331-C-T.
Other names: c.1344+6G>A (NM_001083603.3); c.1149+6G>A (NM_001083602.3); c.1347+6G>A (NM_001354918.2); c.894+6G>A (NM_001083605.3, NM_001083604.3, NM_001083606.3 and 1 more transcripts).
Identifiers: ClinVar variation 524514 (VCV000524514.14), dbSNP rs372655486, ClinGen allele CA196593864.